The following is an entry in ClinVar:

NM_004564.3(GATB):c.695C>T (p.Ala232Val)

Gene: GATB (glutamyl-tRNA amidotransferase subunit B; minus strand). Cytogenetic location: 4q31.3.
Variant type: single nucleotide variant.
Coding change: c.695C>T on transcript NM_004564.3 (MANE Select); coding-DNA position 695, C replaced by T.
Protein change: p.Ala232Val; replaces alanine 232 with valine.
Molecular consequence: missense variant.
Genome position (GRCh38, 1-based): chr4:151,716,077, G>A on the plus strand (C>T on the coding strand, the complement: GATB is on the minus strand). VCF-style: chr4-151716077-G-A. GRCh37 (hg19) VCF-style: chr4-152637229-G-A.
Other names: NC_000004.11:g.152637229G>A; c.695C>T, p.Ala232Val (NM_001363341.2); short protein forms A232V.
Identifiers: ClinVar variation 3039086 (VCV003039086.16), dbSNP rs150296974, ClinGen allele CA3105856.
Genomic context (GRCh38, chr4:151,716,077, plus strand): 5'-TTCGCCTGGCTGGTCCCCAGGGCTTGAAGGATCAGCTGCAGCTCCCTGACAGCTGTTGCC[G>A]CCTCTTCTCCACAGGACATGTCGGGCTCCAGGACCACCTCCAGAAGGCCCACTCCTACCA-3'
Protein context (NP_004555.1, residues 222-242): LEPDMSCGEE[Ala232Val]ATAVRELQLI

ClinVar aggregate classification (germline): Likely benign. Review status: criteria provided, single submitter (1 of 4 stars). 2 submissions from 2 submitters: Likely benign (1). 1 of the submissions does not count toward it. Last evaluated 2026-09-01.

Conditions:
GATB-related disorder. Also called: GATB-related condition.

Allele frequency attached by ClinVar (database versions not stated): 1000 Genomes Project 30x 0.00094; 1000 Genomes Project 0.00120; ExAC 0.00207; ESP Exome Variant Server 0.00292.
gnomAD v4.1: 4,654 of 1,613,676 alleles (0.29%); highest among the groups gnomAD compares: Non-Finnish European, 0.35%; 14 homozygotes.

Submissions (9):

CeGaT Center for Human Genetics Tuebingen
Classification: Likely benign. Last evaluated: 2026-09-01. Review status: criteria provided, single submitter. Criteria: CeGaT Center For Human Genetics Tuebingen Variant Classification Criteria Version 2. Collection method: clinical testing. Allele origin: germline. Affected: yes. Observed: 8 variant alleles.
Comment: GATB: BS2

PreventionGenetics, part of Exact Sciences
Classification: Likely benign for GATB-related condition. Last evaluated: 2023-02-09. Review status: no assertion criteria provided. Collection method: clinical testing. Allele origin: germline. Not counted in ClinVar's aggregate classification.
Comment: This variant is classified as likely benign based on ACMG/AMP sequence variant interpretation guidelines (Richards et al. 2015 PMID: 25741868, with internal and published modifications).

Dr. Peter K. Rogan Lab, Western University
No classification provided (evidence only). Condition: Familial cancer of breast. Review status: no classification provided. Collection method: in vitro. Allele origin: not applicable. Functional consequence: skipped exon. Not counted in ClinVar's aggregate classification.

Dr. Peter K. Rogan Lab, Western University
No classification provided (evidence only). Condition: Familial cancer of breast. Review status: no classification provided. Collection method: in vitro. Allele origin: not applicable. Functional consequence: retained intron. Not counted in ClinVar's aggregate classification.

Dr. Peter K. Rogan Lab, Western University
No classification provided (evidence only). Condition: Colon adenocarcinoma. Review status: no classification provided. Collection method: in vitro. Allele origin: not applicable. Functional consequence: retained intron. Not counted in ClinVar's aggregate classification.

Dr. Peter K. Rogan Lab, Western University
No classification provided (evidence only). Condition: Ovarian serous cystadenocarcinoma. Review status: no classification provided. Collection method: in vitro. Allele origin: not applicable. Functional consequence: retained intron. Not counted in ClinVar's aggregate classification.

Dr. Peter K. Rogan Lab, Western University
No classification provided (evidence only). Condition: Gastric cancer. Review status: no classification provided. Collection method: in vitro. Allele origin: not applicable. Functional consequence: skipped exon, retained intron. Not counted in ClinVar's aggregate classification.

Dr. Peter K. Rogan Lab, Western University
No classification provided (evidence only). Condition: Malignant tumor of esophagus. Review status: no classification provided. Collection method: in vitro. Allele origin: not applicable. Functional consequence: skipped exon. Not counted in ClinVar's aggregate classification.

Dr. Peter K. Rogan Lab, Western University
No classification provided (evidence only). Condition: Malignant tumor of esophagus. Review status: no classification provided. Collection method: in vitro. Allele origin: not applicable. Functional consequence: retained intron. Not counted in ClinVar's aggregate classification.